The following is an entry in ClinVar:

NM_005629.4(SLC6A8):c.913-8T>C

Gene: SLC6A8 (solute carrier family 6 member 8; plus strand). Cytogenetic location: Xq28.
Variant type: single nucleotide variant.
Coding change: c.913-8T>C on transcript NM_005629.4 (MANE Select); 8 bases into the intron before coding-DNA position 913, T replaced by C.
Molecular consequence: intron variant.
Genome position (GRCh38, 1-based): chrX:153,693,255, T>C. VCF-style: chrX-153693255-T-C. GRCh37 (hg19) VCF-style: chrX-152958710-T-C.
Other names: c.913-8T>C (NM_001142805.2); c.568-8T>C (NM_001142806.1).
Identifiers: ClinVar variation 702759 (VCV000702759.54), dbSNP rs1557045039, ClinGen allele CA645288018.
Genomic context (GRCh38, chrX:153,693,255, plus strand): 5'-GCTGCAGCAGGGCGCTGCGGGGGAGCCCTGCAGGCCCCTCATGCCTGCGCTCTCCGGCCC[T>C]TCTCTAGGTGTGGATAGATGCGGGGACCCAGATTTTCTTTTCTTACGCCATTGGCCTGGG-3'

ClinVar aggregate classification (germline): Likely benign. Review status: reviewed by expert panel (3 of 4 stars). 4 submissions from 4 submitters: Likely benign (1). 3 of the submissions do not count toward it. Last evaluated 2025-05-20.

Conditions:
Creatine transporter deficiency (CCDS1). Also called: CEREBRAL CREATINE DEFICIENCY SYNDROME 1; SLC6A8-Related Creatine Transporter Deficiency; CREATINE TRANSPORTER DEFECT; Mental retardation , X-linked with seizures, short stature and midface hypoplasia; Mental retardation , X-linked, with creatine transport deficiency; X-linked creatine transporter deficiency. Identifiers: Orphanet 52503, MedGen C1845862, MONDO:0010305, OMIM 300352.

Allele frequency attached by ClinVar (database versions not stated): TOPMed below 0.00001; gnomAD exomes 0.00001 and 0.00002.
gnomAD v4.1: 18 of 1,210,333 alleles (0.0015%); highest among the groups gnomAD compares: Non-Finnish European, 0.0019%; no homozygotes.

Submissions (4):

ClinGen Cerebral Creatine Deficiency Syndromes Variant Curation Expert Panel, ClinGen
Classification: Likely benign for Creatine transporter deficiency. Last evaluated: 2025-05-20. Review status: reviewed by expert panel. Criteria: ClinGen_CCDS_ACMG_Specifications_SLC6A8_v1.1. Collection method: curation. Allele origin: germline. Inheritance: X-linked inheritance.
Comment: The NM_005629.4:c.913-8T>C variant in SLC6A8 is an intronic variant affecting a nucleotide in the consensus splice region of intron 5. To our knowledge, this variant has not been reported in the literature and no functional studies are available. In gnomAD v4.1.0, the highest population minor allele frequency is 0.00001901 (17/894100 alleles, 2 hemizygotes) in the European (non-Finnish) population. This allele frequency is just below the threshold for PM2_Supporting (<0.00002), but the criterion was not applied due to the present of hemizygotes. There are 2 hemizygotes in the European non-Finnish population (BS2). SpliceAI predicts that the variant has no impact on splicing (score <0.2) (BP4). There is a ClinVar entry for this variant (Variation ID: 702759. In summary, this variant meets criteria to be classified as likely benign for creatine transporter deficiency. SLC6A8-specific ACMG/AMP criteria applied, as specified by the ClinGen CCDS VCEP (Specifications Version 1.1.0): BS2, BP4. (Classification approved by the ClinGen Cerebral Creatine Deficiency Syndromes Variant Curation Expert Panel on May 20, 2025)

Women's Health and Genetics/Laboratory Corporation of America, LabCorp
Classification: Likely benign. Last evaluated: 2025-04-29. Review status: criteria provided, single submitter. Criteria: LabCorp Variant Classification Summary - May 2015. Collection method: clinical testing. Allele origin: germline. Not counted in ClinVar's aggregate classification.

Labcorp Genetics (formerly Invitae), Labcorp
Classification: Likely benign for Creatine transporter deficiency. Last evaluated: 2024-10-22. Review status: criteria provided, single submitter. Criteria: Invitae Variant Classification Sherloc (09022015). Collection method: clinical testing. Allele origin: germline. Not counted in ClinVar's aggregate classification.

CeGaT Center for Human Genetics Tuebingen
Classification: Uncertain significance. Last evaluated: 2019-09-01. Review status: criteria provided, single submitter. Criteria: CeGaT Center For Human Genetics Tuebingen Variant Classification Criteria Version 2. Collection method: clinical testing. Allele origin: germline. Affected: yes. Observed: 1 variant allele. Not counted in ClinVar's aggregate classification.